The following is an entry in ClinVar:

ClinVar aggregate classification (germline): Uncertain significance (1 of 4 stars; one submission).

gnomAD v4.1: 1 of 1,614,172 alleles (0.000062%); highest among the groups gnomAD compares: Non-Finnish European, 0.000085%; no homozygotes.

Submission:

Ambry Genetics
Classification: Uncertain significance. Last evaluated: 2026-02-24. Review status: criteria provided, single submitter. Criteria: Ambry Variant Classification Scheme 2023. Collection method: clinical testing. Allele origin: germline.
Comment: The p.P530S variant (also known as c.1588C>T), located in coding exon 14 of the A2ML1 gene, results from a C to T substitution at nucleotide position 1588. The proline at codon 530 is replaced by serine, an amino acid with similar properties. This amino acid position is conserved. In addition, this alteration is predicted to be deleterious by in silico analysis. Based on the available evidence, the clinical significance of this variant remains unclear.

NM_144670.6(A2ML1):c.1588C>T (p.Pro530Ser)

Gene: A2ML1 (alpha-2-macroglobulin like 1; plus strand). Cytogenetic location: 12p13.31.
Variant type: single nucleotide variant.
Coding change: c.1588C>T on transcript NM_144670.6 (MANE Select); coding-DNA position 1588, C replaced by T.
Protein change: p.Pro530Ser; replaces proline 530 with serine.
Molecular consequence: missense variant.
Genome position (GRCh38, 1-based): chr12:8,846,127, C>T. VCF-style: chr12-8846127-C-T. GRCh37 (hg19) VCF-style: chr12-8998723-C-T.
Other names: c.115C>T, p.Pro39Ser (NM_001282424.3); short protein forms P39S, P530S.
Identifiers: ClinVar variation 4826290 (VCV004826290.1).